The following is an entry in ClinVar:

ClinVar aggregate classification (germline): Pathogenic (1 of 4 stars; one submission).

Conditions:
Hereditary cancer-predisposing syndrome. Also called: Tumor predisposition; Neoplastic Syndromes, Hereditary; Hereditary Cancer Syndrome; Hereditary neoplastic syndrome. Identifiers: Orphanet 140162, MedGen C0027672, MeSH D009386, MONDO:0015356.

Submission:

Color Diagnostics, LLC DBA Color Health
Classification: Pathogenic for Hereditary cancer-predisposing syndrome. Last evaluated: 2022-09-19. Review status: criteria provided, single submitter. Criteria: ACMG Guidelines, 2015. Collection method: clinical testing. Allele origin: germline.
Comment: This variant changes 1 nucleotide in exon 48 of the ATM gene, creating a premature translation stop signal. This variant is expected to result in an absent or non-functional protein product. To our knowledge, this variant has not been reported in individuals affected with hereditary cancer in the literature. This variant has not been identified in the general population by the Genome Aggregation Database (gnomAD). Loss of ATM function is a known mechanism of disease. Based on the available evidence, this variant is classified as Pathogenic.

NM_000051.4(ATM):c.7047C>A (p.Cys2349Ter)

Genes: ATM (ATM serine/threonine kinase; plus strand), C11orf65 (chromosome 11 open reading frame 65; minus strand). Cytogenetic location: 11q22.3.
Variant type: single nucleotide variant.
Coding change: c.7047C>A on transcript NM_000051.4 (MANE Select); coding-DNA position 7047, C replaced by A.
Protein change: p.Cys2349Ter; replaces cysteine 2349 with a stop codon.
Molecular consequence: nonsense. On other transcripts: intron variant (2).
Genome position (GRCh38, 1-based): chr11:108,327,716, C>A. VCF-style: chr11-108327716-C-A. GRCh37 (hg19) VCF-style: chr11-108198443-C-A.
Other names: c.7047C>A, p.Cys2349Ter (NM_001351834.2); c.641-18645G>T (NM_001330368.2); c.*38+7504G>T (NM_001351110.2); short protein forms C2349*.
Identifiers: ClinVar variation 2774708 (VCV002774708.1), dbSNP rs2547233239, ClinGen allele CA382558935.